The following is an entry in ClinVar:

NM_001365536.1(SCN9A):c.2343G>A (p.Leu781=)

Genes: SCN9A (sodium voltage-gated channel alpha subunit 9; minus strand), SCN1A-AS1 (SCN1A and SCN9A antisense RNA 1; plus strand). Cytogenetic location: 2q24.3.
Variant type: single nucleotide variant.
Coding change: c.2343G>A on transcript NM_001365536.1 (MANE Select); coding-DNA position 2343, G replaced by A.
Protein change: p.Leu781=; no amino-acid change (leucine 781 retained).
Molecular consequence: synonymous variant.
Genome position (GRCh38, 1-based): chr2:166,280,357, C>T on the plus strand (G>A on the coding strand, the complement: SCN9A is on the minus strand). VCF-style: chr2-166280357-C-T. GRCh37 (hg19) VCF-style: chr2-167136867-C-T.
Other names: c.2310G>A, p.Leu770= (NM_002977.4).
Identifiers: ClinVar variation 1001954 (VCV001001954.7), dbSNP rs1284534189, ClinGen allele CA429902010.

ClinVar aggregate classification (germline): Uncertain significance (1 of 4 stars; one submission).

Conditions:
Generalized epilepsy with febrile seizures plus, type 7 (GEFSP7). Also called: GEFS+, TYPE 7. Identifiers: Orphanet 36387, MedGen C2751778, MONDO:0013470, OMIM 613863.
Neuropathy, hereditary sensory and autonomic, type 2A (HSAN2A). Also called: HSAN IIA; MORVAN DISEASE; NEUROPATHY, CONGENITAL SENSORY; NEUROPATHY, HEREDITARY SENSORY RADICULAR, AUTOSOMAL RECESSIVE; NEUROPATHY, HEREDITARY SENSORY, TYPE IIA; NEUROPATHY, PROGRESSIVE SENSORY, OF CHILDREN. Identifiers: Orphanet 970, MedGen C2752089, MONDO:0024309, OMIM 201300.

Allele frequency attached by ClinVar (database versions not stated): gnomAD exomes below 0.00001; TOPMed below 0.00001; gnomAD 0.00001.
gnomAD v4.1: 4 of 1,520,350 alleles (0.00026%); highest among the groups gnomAD compares: African/African-American, 0.0014%; no homozygotes.

Submission:

Labcorp Genetics (formerly Invitae), Labcorp
Classification: Uncertain significance for Neuropathy, hereditary sensory and autonomic, type 2A; Generalized epilepsy with febrile seizures plus, type 7. Last evaluated: 2020-10-22. Review status: criteria provided, single submitter. Criteria: Invitae Variant Classification Sherloc (09022015). Collection method: clinical testing. Allele origin: germline.
Comment: Nucleotide substitutions within the consensus splice site are a relatively common cause of aberrant splicing (PMID: 17576681, 9536098). Algorithms developed to predict the effect of sequence changes on RNA splicing suggest that this variant may disrupt the consensus splice site, but this prediction has not been confirmed by published transcriptional studies. In summary, the available evidence is currently insufficient to determine the role of this variant in disease. Therefore, it has been classified as a Variant of Uncertain Significance. This variant has not been reported in the literature in individuals with SCN9A-related conditions. This variant is not present in population databases (ExAC no frequency). This sequence change affects codon 770 of the SCN9A mRNA. It is a 'silent' change, meaning that it does not change the encoded amino acid sequence of the SCN9A protein. This variant also falls at the last nucleotide of exon 14, which is part of the consensus splice site for this exon.

Literature cited by the submitters: PubMed 17576681; PubMed 9536098.